The following is an entry in ClinVar:

ClinVar aggregate classification (germline): Uncertain significance. Review status: criteria provided, multiple submitters, no conflicts (2 of 4 stars). 2 submissions from 2 submitters: Uncertain significance (2). Last evaluated 2025-01-10.

Conditions:
MEGF10-related myopathy (CMYO10A). Also called: Congenital myopathy 10A, severe variant. Identifiers: Orphanet 439212, MedGen C3280679, MONDO:0013731, OMIM 614399.
Inborn genetic diseases. Identifiers: MedGen C0950123, MeSH D030342.

Allele frequency attached by ClinVar (database versions not stated): gnomAD 0.00001; TOPMed 0.00002; ExAC 0.00005; gnomAD exomes 0.00005 and 0.00006.
gnomAD v4.1: 71 of 1,613,976 alleles (0.0044%); highest among the groups gnomAD compares: Non-Finnish European, 0.0055%; no homozygotes.

Submissions (2):

Ambry Genetics
Classification: Uncertain significance for Inborn genetic diseases. Last evaluated: 2025-01-10. Review status: criteria provided, single submitter. Criteria: Ambry Variant Classification Scheme 2023. Collection method: clinical testing. Allele origin: germline.

Labcorp Genetics (formerly Invitae), Labcorp
Classification: Uncertain significance for MEGF10-related myopathy. Last evaluated: 2022-05-04. Review status: criteria provided, single submitter. Criteria: Invitae Variant Classification Sherloc (09022015). Collection method: clinical testing. Allele origin: germline.
Comment: This sequence change replaces asparagine, which is neutral and polar, with serine, which is neutral and polar, at codon 944 of the MEGF10 protein (p.Asn944Ser). This variant is present in population databases (rs767447623, gnomAD 0.009%). This variant has not been reported in the literature in individuals affected with MEGF10-related conditions. ClinVar contains an entry for this variant (Variation ID: 938433). Algorithms developed to predict the effect of missense changes on protein structure and function are either unavailable or do not agree on the potential impact of this missense change (SIFT: "Deleterious"; PolyPhen-2: "Benign"; Align-GVGD: "Class C0"). Algorithms developed to predict the effect of sequence changes on RNA splicing suggest that this variant may create or strengthen a splice site. In summary, the available evidence is currently insufficient to determine the role of this variant in disease. Therefore, it has been classified as a Variant of Uncertain Significance.

NM_001256545.2(MEGF10):c.2831A>G (p.Asn944Ser)

Gene: MEGF10 (multiple EGF like domains 10; plus strand). Cytogenetic location: 5q23.2.
Variant type: single nucleotide variant.
Coding change: c.2831A>G on transcript NM_001256545.2 (MANE Select); coding-DNA position 2831, A replaced by G.
Protein change: p.Asn944Ser; replaces asparagine 944 with serine.
Molecular consequence: missense variant.
Genome position (GRCh38, 1-based): chr5:127,447,659, A>G. VCF-style: chr5-127447659-A-G. GRCh37 (hg19) VCF-style: chr5-126783351-A-G.
Other names: c.2831A>G, p.Asn944Ser (NM_032446.3); short protein forms N944S.
Identifiers: ClinVar variation 938433 (VCV000938433.8), dbSNP rs767447623, ClinGen allele CA3392029.